The following is an entry in ClinVar:

NM_032545.4(CFC1):c.20T>G (p.Val7Gly)

Gene: CFC1 (cryptic, EGF-CFC family member 1; minus strand). Cytogenetic location: 2q21.1.
Variant type: single nucleotide variant.
Coding change: c.20T>G on transcript NM_032545.4 (MANE Select); coding-DNA position 20, T replaced by G.
Protein change: p.Val7Gly; replaces valine 7 with glycine.
Molecular consequence: missense variant.
Genome position (GRCh38, 1-based): chr2:130,599,268, A>C on the plus strand (T>G on the coding strand, the complement: CFC1 is on the minus strand). VCF-style: chr2-130599268-A-C. GRCh37 (hg19) VCF-style: chr2-131356841-A-C.
Other names: c.20T>G, p.Val7Gly (NM_001270420.2, NM_001270421.2); short protein forms V7G.
Identifiers: ClinVar variation 3372269 (VCV003372269.1).

ClinVar aggregate classification (germline): Uncertain significance (1 of 4 stars; one submission).

Submission:

GeneDx
Classification: Uncertain significance. Last evaluated: 2024-04-12. Review status: criteria provided, single submitter. Criteria: GeneDx Variant Classification Process June 2021. Collection method: clinical testing. Allele origin: germline. Affected: yes.
Comment: Not observed at significant frequency in large population cohorts (gnomAD); In silico analysis supports that this missense variant has a deleterious effect on protein structure/function; Has not been previously published as pathogenic or benign to our knowledge